The following is an entry in ClinVar:

ClinVar aggregate classification (germline): Benign. Review status: criteria provided, multiple submitters, no conflicts (2 of 4 stars). 5 submissions from 5 submitters: Benign (3). 2 of the submissions do not count toward it. Last evaluated 2026-02-01.

Conditions:
Osteogenesis imperfecta type 6. Also called: Osteogenesis imperfecta, type VI. Identifiers: Orphanet 666, MedGen C3279564, MONDO:0013515, OMIM 613982.
Osteogenesis imperfecta (OI). Identifiers: Orphanet 666, MedGen C0029434, MeSH D010013, MONDO:0019019.

Allele frequency attached by ClinVar (database versions not stated): ESP Exome Variant Server 0.00008; gnomAD 0.00047 and 0.00072; TOPMed 0.00077; ExAC 0.00138; gnomAD exomes 0.00162; 1000 Genomes Project 0.00559; 1000 Genomes Project 30x 0.00562.

Submissions (5):

Labcorp Genetics (formerly Invitae), Labcorp
Classification: Benign. Last evaluated: 2026-02-01. Review status: criteria provided, single submitter. Criteria: Invitae Variant Classification Sherloc (09022015). Collection method: clinical testing. Allele origin: germline.

Genome Diagnostics Laboratory, The Hospital for Sick Children
Classification: Benign for Osteogenesis imperfecta. Last evaluated: 2022-04-04. Review status: criteria provided, single submitter. Criteria: ACMG Guidelines, 2015. Collection method: clinical testing. Allele origin: germline.

Illumina Laboratory Services, Illumina
Classification: Benign for Osteogenesis imperfecta type 6. Last evaluated: 2018-01-12. Review status: criteria provided, single submitter. Criteria: ICSL Variant Classification Criteria 13 December 2019. Collection method: clinical testing. Allele origin: germline.
Comment: This variant was observed in the ICSL laboratory as part of a predisposition screen in an ostensibly healthy population. It had not been previously curated by ICSL or reported in the Human Gene Mutation Database (HGMD: prior to June 1st, 2018), and was therefore a candidate for classification through an automated scoring system. Utilizing variant allele frequency, disease prevalence and penetrance estimates, and inheritance mode, an automated score was calculated to assess if this variant is too frequent to cause the disease. Based on the score and internal cut-off values, a variant classified as benign is not then subjected to further curation. The score for this variant resulted in a classification of benign for this disease.

Genome Diagnostics Laboratory, Amsterdam University Medical Center
Classification: Likely benign. Review status: no assertion criteria provided. Collection method: clinical testing. Allele origin: germline. Affected: yes. Study: VKGL Data-share Consensus. Not counted in ClinVar's aggregate classification.

Laboratory of Diagnostic Genome Analysis, Leiden University Medical Center (LUMC)
Classification: Benign. Review status: no assertion criteria provided. Collection method: clinical testing. Allele origin: germline. Affected: yes. Study: VKGL Data-share Consensus. Not counted in ClinVar's aggregate classification.

NM_002615.7(SERPINF1):c.151G>A (p.Val51Met)

Genes: SERPINF1 (serpin family F member 1; plus strand), LOC130059891 (ATAC-STARR-seq lymphoblastoid active region 11456; plus strand). Cytogenetic location: 17p13.3.
Variant type: single nucleotide variant.
Coding change: c.151G>A on transcript NM_002615.7 (MANE Select); coding-DNA position 151, G replaced by A.
Protein change: p.Val51Met; replaces valine 51 with methionine.
Molecular consequence: missense variant. On other transcripts: 5 prime UTR variant (1).
Genome position (GRCh38, 1-based): chr17:1,769,918, G>A. VCF-style: chr17-1769918-G-A. GRCh37 (hg19) VCF-style: chr17-1673212-G-A.
Other names: c.151G>A, p.Val51Met (NM_001329903.2); c.-411G>A (NM_001329904.2); short protein forms V51M.
Identifiers: ClinVar variation 732208 (VCV000732208.17), dbSNP rs150899084, ClinGen allele CA8274551.